The following is an entry in ClinVar:

NM_001365276.2(TNXB):c.1214C>G (p.Pro405Arg)

Gene: TNXB (tenascin XB; minus strand). Cytogenetic location: 6p21.33.
Variant type: single nucleotide variant.
Coding change: c.1214C>G on transcript NM_001365276.2 (MANE Select); coding-DNA position 1214, C replaced by G.
Protein change: p.Pro405Arg; replaces proline 405 with arginine.
Molecular consequence: missense variant.
Genome position (GRCh38, 1-based): chr6:32,096,639, G>C on the plus strand (C>G on the coding strand, the complement: TNXB is on the minus strand). VCF-style: chr6-32096639-G-C. GRCh37 (hg19) VCF-style: chr6-32064416-G-C.
Other names: c.1214C>G, p.Pro405Arg (NM_001428335.1, NM_019105.8); short protein forms P405R.
Identifiers: ClinVar variation 3227234 (VCV003227234.1), dbSNP rs2483760359, ClinGen allele CA363482948.
Genomic context (GRCh38, chr6:32,096,639, plus strand): 5'-TACCCCGGCCAGCACACGCAGCGGCCGTCCTCGCAGCGGCCCCTTTGGTTGCAGTCGCCA[G>C]GGCAGCTGCGCACGCCGCAGTCGTCCCCGCTGTAGCCCGTGTCGCAAATGCATTCGCCGT-3'
Protein context (NP_001352205.1, residues 395-415): SGDDCGVRSC[Pro405Arg]GDCNQRGRCE

ClinVar aggregate classification (germline): Uncertain significance (1 of 4 stars; one submission).

Conditions:
Cardiovascular phenotype. Identifiers: MedGen CN230736.

Submission:

Ambry Genetics
Classification: Uncertain significance for Cardiovascular phenotype. Last evaluated: 2024-02-09. Review status: criteria provided, single submitter. Criteria: Ambry Variant Classification Scheme 2023. Collection method: clinical testing. Allele origin: germline.
Comment: The p.P405R variant (also known as c.1214C>G), located in coding exon 2 of the TNXB gene, results from a C to G substitution at nucleotide position 1214. The proline at codon 405 is replaced by arginine, an amino acid with dissimilar properties. This amino acid position is conserved. In addition, this alteration is predicted to be tolerated by in silico analysis. Based on the available evidence, the clinical significance of this alteration remains unclear.